The following is an entry in ClinVar:

NM_000143.4(FH):c.509G>A (p.Gly170Asp)

Gene: FH (fumarate hydratase; minus strand). Cytogenetic location: 1q43.
Variant type: single nucleotide variant.
Coding change: c.509G>A on transcript NM_000143.4 (MANE Select); coding-DNA position 509, G replaced by A.
Protein change: p.Gly170Asp; replaces glycine 170 with aspartic acid.
Molecular consequence: missense variant.
Genome position (GRCh38, 1-based): chr1:241,512,013, C>T on the plus strand (G>A on the coding strand, the complement: FH is on the minus strand). VCF-style: chr1-241512013-C-T. GRCh37 (hg19) VCF-style: chr1-241675313-C-T.
Other names: short protein forms G170D.
Identifiers: ClinVar variation 644681 (VCV000644681.10), dbSNP rs1573885360, ClinGen allele CA345439943.

ClinVar aggregate classification (germline): Uncertain significance. Review status: criteria provided, multiple submitters, no conflicts (2 of 4 stars). 3 submissions from 3 submitters: Uncertain significance (3). Last evaluated 2026-03-05.

Conditions:
Hereditary cancer-predisposing syndrome. Also called: Hereditary Cancer Syndrome; Tumor predisposition; Neoplastic Syndromes, Hereditary; Hereditary neoplastic syndrome. Identifiers: Orphanet 140162, MedGen C0027672, MeSH D009386, MONDO:0015356.
Fumarase deficiency (FMRD). Also called: Fumarate Hydratase Deficiency; Fumaric aciduria. Identifiers: Orphanet 24, MedGen C0342770, MONDO:0011730, OMIM 606812.

Allele frequency attached by ClinVar (database versions not stated): gnomAD exomes below 0.00001.
gnomAD v4.1: 2 of 1,613,940 alleles (0.00012%); highest among the groups gnomAD compares: Non-Finnish European, 0.00017%; no homozygotes.

Submissions (4):

Ambry Genetics
Classification: Uncertain significance for Hereditary cancer-predisposing syndrome. Last evaluated: 2026-03-05. Review status: criteria provided, single submitter. Criteria: Ambry Variant Classification Scheme 2023. Collection method: clinical testing. Allele origin: germline.
Comment: The p.G170D variant (also known as c.509G>A), located in coding exon 4 of the FH gene, results from a G to A substitution at nucleotide position 509. The glycine at codon 170 is replaced by aspartic acid, an amino acid with similar properties. This amino acid position is highly conserved in available vertebrate species. In addition, this alteration is predicted to be deleterious by in silico analysis. Based on the available evidence, the clinical significance of this variant remains unclear.

Baylor Genetics
Classification: Uncertain significance for Fumarase deficiency. Last evaluated: 2023-05-01. Review status: criteria provided, single submitter. Criteria: ACMG Guidelines, 2015. Collection method: clinical testing. Allele origin: unknown.

Labcorp Genetics (formerly Invitae), Labcorp
Classification: Uncertain significance. Last evaluated: 2021-09-26. Review status: criteria provided, single submitter. Criteria: Invitae Variant Classification Sherloc (09022015). Collection method: clinical testing. Allele origin: germline.
Comment: This sequence change replaces glycine with aspartic acid at codon 170 of the FH protein (p.Gly170Asp). The glycine residue is highly conserved and there is a moderate physicochemical difference between glycine and aspartic acid. This variant is not present in population databases (ExAC no frequency). This variant has not been reported in the literature in individuals affected with FH-related conditions. Algorithms developed to predict the effect of missense changes on protein structure and function (SIFT, PolyPhen-2, Align-GVGD) all suggest that this variant is likely to be disruptive. In summary, the available evidence is currently insufficient to determine the role of this variant in disease. Therefore, it has been classified as a Variant of Uncertain Significance.

Blake Wilde Laboratory, Roswell Park Comprehensive Cancer Center
No classification provided (evidence only). Condition: Hereditary leiomyomatosis and renal cell cancer. Review status: no classification provided. Collection method: in vitro. Allele origin: not applicable. Functional consequence: decreased enzyme activity. Not counted in ClinVar's aggregate classification.